The following is an entry in ClinVar:

NM_017617.5(NOTCH1):c.6310C>T (p.Arg2104Cys)

Gene: NOTCH1 (notch receptor 1; minus strand). Cytogenetic location: 9q34.3.
Variant type: single nucleotide variant.
Coding change: c.6310C>T on transcript NM_017617.5 (MANE Select); coding-DNA position 6310, C replaced by T.
Protein change: p.Arg2104Cys; replaces arginine 2104 with cysteine.
Molecular consequence: missense variant.
Genome position (GRCh38, 1-based): chr9:136,497,429, G>A on the plus strand (C>T on the coding strand, the complement: NOTCH1 is on the minus strand). VCF-style: chr9-136497429-G-A. GRCh37 (hg19) VCF-style: chr9-139391881-G-A.
Other names: c.6310C>T, p.Arg2104Cys (LRG_1122t1); short protein forms R2104C.
Identifiers: ClinVar variation 661688 (VCV000661688.8), dbSNP rs1307220376, ClinGen allele CA375632014.

ClinVar aggregate classification (germline): Uncertain significance (1 of 4 stars; one submission).

Conditions:
Adams-Oliver syndrome 5 (AOS5). Identifiers: Orphanet 974, MedGen C4014970, MONDO:0014459, OMIM 616028.

Allele frequency attached by ClinVar (database versions not stated): gnomAD exomes below 0.00001; TOPMed below 0.00001.
gnomAD v4.1: 4 of 1,612,048 alleles (0.00025%); highest among the groups gnomAD compares: Non-Finnish European, 0.00034%; no homozygotes.

Submission:

Labcorp Genetics (formerly Invitae), Labcorp
Classification: Uncertain significance for Adams-Oliver syndrome 5. Last evaluated: 2025-12-08. Review status: criteria provided, single submitter. Criteria: Invitae Variant Classification Sherloc (09022015). Collection method: clinical testing. Allele origin: germline.
Comment: This sequence change replaces arginine, which is basic and polar, with cysteine, which is neutral and slightly polar, at codon 2104 of the NOTCH1 protein (p.Arg2104Cys). This variant is present in population databases (no rsID available, gnomAD 0.0009%). This variant has not been reported in the literature in individuals affected with NOTCH1-related conditions. ClinVar contains an entry for this variant (Variation ID: 661688). Invitae Evidence Modeling of protein sequence and biophysical properties (such as structural, functional, and spatial information, amino acid conservation, physicochemical variation, residue mobility, and thermodynamic stability) has been performed for this missense variant. However, the output from this modeling did not meet the statistical confidence thresholds required to predict the impact of this variant on NOTCH1 protein function. In summary, the available evidence is currently insufficient to determine the role of this variant in disease. Therefore, it has been classified as a Variant of Uncertain Significance.